The following is an entry in ClinVar:

NM_001372044.2(SHANK3):c.1138C>T (p.Arg380Cys)

Gene: SHANK3 (SH3 and multiple ankyrin repeat domains 3; plus strand). Cytogenetic location: 22q13.33.
Variant type: single nucleotide variant.
Coding change: c.1138C>T on transcript NM_001372044.2 (MANE Select); coding-DNA position 1138, C replaced by T.
Protein change: p.Arg380Cys; replaces arginine 380 with cysteine.
Molecular consequence: missense variant.
Genome position (GRCh38, 1-based): chr22:50,683,367, C>T. VCF-style: chr22-50683367-C-T. GRCh37 (hg19) VCF-style: chr22-51121795-C-T.
Other names: c.913C>T (NM_033517.1); short protein forms R380C.
Identifiers: ClinVar variation 985238 (VCV000985238.5), dbSNP rs2082981691, ClinGen allele CA515250075.

ClinVar aggregate classification (germline): Uncertain significance. Review status: criteria provided, multiple submitters, no conflicts (2 of 4 stars). 2 submissions from 2 submitters: Uncertain significance (2). Last evaluated 2021-11-01.

Conditions:
Inborn genetic diseases. Identifiers: MedGen C0950123, MeSH D030342.

Allele frequency attached by ClinVar (database versions not stated): TOPMed below 0.00001; gnomAD exomes 0.00001.

Submissions (2):

GeneDx
Classification: Uncertain significance. Last evaluated: 2021-11-01. Review status: criteria provided, single submitter. Criteria: GeneDx Variant Classification Process June 2021. Collection method: clinical testing. Allele origin: germline. Affected: yes.
Comment: Not observed at significant frequency in large population cohorts (Lek et al., 2016); In silico analysis supports that this missense variant has a deleterious effect on protein structure/function; Has not been previously published as pathogenic or benign to our knowledge

Ambry Genetics
Classification: Uncertain significance for Inborn genetic diseases. Last evaluated: 2018-05-21. Review status: criteria provided, single submitter. Criteria: Ambry exome assertion method (8-5-2015). Collection method: clinical testing. Allele origin: germline. Affected: yes. Observed: 1 variant allele.